The following is an entry in ClinVar:

ClinVar aggregate classification (germline): Pathogenic. Review status: criteria provided, multiple submitters, no conflicts (2 of 4 stars). 2 submissions from 2 submitters: Pathogenic (2). Last evaluated 2024-09-09.

Conditions:
Bardet-Biedl syndrome (BBS). Identifiers: Orphanet 110, MedGen C0752166, MONDO:0015229.
Bardet-Biedl syndrome 5 (BBS5). Identifiers: Orphanet 110, MedGen C3892039, MONDO:0014434, OMIM 615983.

Allele frequency attached by ClinVar (database versions not stated): gnomAD exomes 0.00001; ExAC 0.00002.

Submissions (2):

Labcorp Genetics (formerly Invitae), Labcorp
Classification: Pathogenic for Bardet-Biedl syndrome. Last evaluated: 2024-09-09. Review status: criteria provided, single submitter. Criteria: Invitae Variant Classification Sherloc (09022015). Collection method: clinical testing. Allele origin: germline.
Comment: This sequence change affects the initiator methionine of the BBS5 mRNA. The next in-frame methionine is located at codon 22. This variant is present in population databases (rs767822498, gnomAD 0.01%). Disruption of the initiator codon has been observed in individual(s) with Bardet-Biedl syndrome (PMID: 19797195, 25982971). ClinVar contains an entry for this variant (Variation ID: 812118). For these reasons, this variant has been classified as Pathogenic.

Centre for Genomic Medicine, Manchester, Central Manchester University Hospitals
Classification: Pathogenic for Bardet-Biedl syndrome 5. Last evaluated: 2019-02-01. Review status: criteria provided, single submitter. Criteria: ACMG Guidelines, 2015. Collection method: clinical testing. Allele origin: germline. Affected: yes. Observed: 2 variant alleles, 2 homozygotes. Clinical features observed: Rod-cone dystrophy, Intellectual disability, severe, Micropenis, 2-3 toe syndactyly, Diabetes mellitus, Absent speech, Obesity, Behavioural abnormality, Seizures, Severe Myopia, Polydactyly, Global developmental delay.

Literature cited by the submitters: PubMed 19797195 (cited by Labcorp Genetics (formerly Invitae), Labcorp); PubMed 25982971 (cited by Labcorp Genetics (formerly Invitae), Labcorp).

NM_152384.3(BBS5):c.2T>A (p.Met1Lys)

Genes: BBS5 (Bardet-Biedl syndrome 5; plus strand), LOC129935068 (ATAC-STARR-seq lymphoblastoid active region 16738; plus strand). Cytogenetic location: 2q31.1.
Variant type: single nucleotide variant.
Coding change: c.2T>A on transcript NM_152384.3 (MANE Select); coding-DNA position 2, T replaced by A.
Protein change: p.Met1Lys; changes the start codon (methionine 1).
Molecular consequence: missense variant, initiator codon variant.
Genome position (GRCh38, 1-based): chr2:169,479,555, T>A. VCF-style: chr2-169479555-T-A. GRCh37 (hg19) VCF-style: chr2-170336065-T-A.
Other names: short protein forms M1K.
Identifiers: ClinVar variation 812118 (VCV000812118.4), dbSNP rs767822498, ClinGen allele CA1956066.